The following is an entry in ClinVar:

NM_003500.4(ACOX2):c.1115A>G (p.Tyr372Cys)

Gene: ACOX2 (acyl-CoA oxidase 2; minus strand). Cytogenetic location: 3p14.3.
Variant type: single nucleotide variant.
Coding change: c.1115A>G on transcript NM_003500.4 (MANE Select); coding-DNA position 1115, A replaced by G.
Protein change: p.Tyr372Cys; replaces tyrosine 372 with cysteine.
Molecular consequence: missense variant.
Genome position (GRCh38, 1-based): chr3:58,528,834, T>C on the plus strand (A>G on the coding strand, the complement: ACOX2 is on the minus strand). VCF-style: chr3-58528834-T-C. GRCh37 (hg19) VCF-style: chr3-58514561-T-C.
Other names: c.1115A>G (NM_003500.3); short protein forms Y372C.
Identifiers: ClinVar variation 3613515 (VCV003613515.3).

ClinVar aggregate classification (germline): Uncertain significance. Review status: criteria provided, multiple submitters, no conflicts (2 of 4 stars). 2 submissions from 2 submitters: Uncertain significance (2). Last evaluated 2025-08-28.

gnomAD v4.1: 5 of 1,613,526 alleles (0.00031%); highest among the groups gnomAD compares: Admixed American, 0.0067%; no homozygotes.

Submissions (2):

Ambry Genetics
Classification: Uncertain significance. Last evaluated: 2025-08-28. Review status: criteria provided, single submitter. Criteria: Ambry Variant Classification Scheme 2023. Collection method: clinical testing. Allele origin: germline.

Labcorp Genetics (formerly Invitae), Labcorp
Classification: Uncertain significance. Last evaluated: 2024-10-22. Review status: criteria provided, single submitter. Criteria: Invitae Variant Classification Sherloc (09022015). Collection method: clinical testing. Allele origin: germline.
Comment: This sequence change replaces tyrosine, which is neutral and polar, with cysteine, which is neutral and slightly polar, at codon 372 of the ACOX2 protein (p.Tyr372Cys). This variant is present in population databases (rs767173404, gnomAD 0.01%). This variant has not been reported in the literature in individuals affected with ACOX2-related conditions. Invitae Evidence Modeling of protein sequence and biophysical properties (such as structural, functional, and spatial information, amino acid conservation, physicochemical variation, residue mobility, and thermodynamic stability) indicates that this missense variant is not expected to disrupt ACOX2 protein function with a negative predictive value of 80%. In summary, the available evidence is currently insufficient to determine the role of this variant in disease. Therefore, it has been classified as a Variant of Uncertain Significance.